The following is an entry in ClinVar:

NM_004360.5(CDH1):c.1810G>A (p.Glu604Lys)

Gene: CDH1 (cadherin 1; plus strand). Cytogenetic location: 16q22.1.
Variant type: single nucleotide variant.
Coding change: c.1810G>A on transcript NM_004360.5 (MANE Select); coding-DNA position 1810, G replaced by A.
Protein change: p.Glu604Lys; replaces glutamic acid 604 with lysine.
Molecular consequence: missense variant. On other transcripts: 5 prime UTR variant (1).
Genome position (GRCh38, 1-based): chr16:68,822,099, G>A. VCF-style: chr16-68822099-G-A. GRCh37 (hg19) VCF-style: chr16-68856002-G-A.
Other names: c.1627G>A, p.Glu543Lys (NM_001317184.2); c.262G>A, p.Glu88Lys (NM_001317185.2); c.-156G>A (NM_001317186.2); short protein forms E604K, E88K, E543K.
Identifiers: ClinVar variation 2567610 (VCV002567610.4), dbSNP rs2152138343, ClinGen allele CA396466769.

ClinVar aggregate classification (germline): Uncertain significance. Review status: criteria provided, multiple submitters, no conflicts (2 of 4 stars). 2 submissions from 2 submitters: Uncertain significance (2). Last evaluated 2025-06-01.

Conditions:
Hereditary cancer-predisposing syndrome. Also called: Neoplastic Syndromes, Hereditary; Hereditary Cancer Syndrome; Tumor predisposition; Hereditary neoplastic syndrome. Identifiers: Orphanet 140162, MedGen C0027672, MeSH D009386, MONDO:0015356.
Hereditary diffuse gastric adenocarcinoma (HDGC). Also called: DIFFUSE GASTRIC AND LOBULAR BREAST CANCER SYNDROME. Identifiers: Orphanet 26106, MedGen C1708349, MONDO:0007648, OMIM 137215.

Allele frequency attached by ClinVar (database versions not stated): gnomAD exomes below 0.00001.
gnomAD v4.1: 1 of 1,614,060 alleles (0.000062%); highest among the groups gnomAD compares: Non-Finnish European, 0.000085%; no homozygotes.

Submissions (2):

Labcorp Genetics (formerly Invitae), Labcorp
Classification: Uncertain significance for Hereditary diffuse gastric adenocarcinoma. Last evaluated: 2025-06-01. Review status: criteria provided, single submitter. Criteria: Invitae Variant Classification Sherloc (09022015). Collection method: clinical testing. Allele origin: germline.
Comment: This sequence change replaces glutamic acid, which is acidic and polar, with lysine, which is basic and polar, at codon 604 of the CDH1 protein (p.Glu604Lys). This variant is not present in population databases (gnomAD no frequency). This variant has not been reported in the literature in individuals affected with CDH1-related conditions. ClinVar contains an entry for this variant (Variation ID: 2567610). An algorithm developed to predict the effect of missense changes on protein structure and function (PolyPhen-2) suggests that this variant is likely to be tolerated. In summary, the available evidence is currently insufficient to determine the role of this variant in disease. Therefore, it has been classified as a Variant of Uncertain Significance.

Ambry Genetics
Classification: Uncertain significance for Hereditary cancer-predisposing syndrome. Last evaluated: 2023-04-25. Review status: criteria provided, single submitter. Criteria: Ambry Variant Classification Scheme 2023. Collection method: clinical testing. Allele origin: germline.
Comment: The p.E604K variant (also known as c.1810G>A), located in coding exon 12 of the CDH1 gene, results from a G to A substitution at nucleotide position 1810. The glutamic acid at codon 604 is replaced by lysine, an amino acid with similar properties. This amino acid position is poorly conserved in available vertebrate species. In addition, this alteration is predicted to be tolerated by in silico analysis. Since supporting evidence is limited at this time, the clinical significance of this alteration remains unclear.